The following is an entry in ClinVar:

ClinVar aggregate classification (germline): Uncertain significance (1 of 4 stars; one submission).

Submission:

Ambry Genetics
Classification: Uncertain significance. Last evaluated: 2023-06-10. Review status: criteria provided, single submitter. Criteria: Ambry Variant Classification Scheme 2023. Collection method: clinical testing. Allele origin: germline.
Comment: The p.Q1004R variant (also known as c.3011A>G), located in coding exon 26 of the PRKDC gene, results from an A to G substitution at nucleotide position 3011. The glutamine at codon 1004 is replaced by arginine, an amino acid with highly similar properties. This amino acid position is conserved. In addition, the in silico prediction for this alteration is inconclusive. Since supporting evidence is limited at this time, the clinical significance of this alteration remains unclear.

NM_006904.7(PRKDC):c.3011A>G (p.Gln1004Arg)

Gene: PRKDC (protein kinase, DNA-activated, catalytic subunit; minus strand). Cytogenetic location: 8q11.21.
Variant type: single nucleotide variant.
Coding change: c.3011A>G on transcript NM_006904.7 (MANE Select); coding-DNA position 3011, A replaced by G.
Protein change: p.Gln1004Arg; replaces glutamine 1004 with arginine.
Molecular consequence: missense variant.
Genome position (GRCh38, 1-based): chr8:47,904,900, T>C on the plus strand (A>G on the coding strand, the complement: PRKDC is on the minus strand). VCF-style: chr8-47904900-T-C. GRCh37 (hg19) VCF-style: chr8-48817460-T-C.
Other names: c.3011A>G, p.Gln1004Arg (NM_001081640.2); short protein forms Q1004R.
Identifiers: ClinVar variation 2561925 (VCV002561925.2), dbSNP rs2089746817, ClinGen allele CA371157304.